The following is an entry in ClinVar:

ClinVar aggregate classification (germline): Uncertain significance. Review status: criteria provided, multiple submitters, no conflicts (2 of 4 stars). 3 submissions from 3 submitters: Uncertain significance (2). 1 of the submissions does not count toward it. Last evaluated 2021-11-10.

Conditions:
Walker-Warburg congenital muscular dystrophy. Also called: Muscular dystrophy-dystroglycanopathy, type A; Walker-Warburg syndrome. Identifiers: Orphanet 899, MedGen C0265221, MONDO:0000171.

gnomAD v4.1: 1 of 1,611,344 alleles (0.000062%); highest among the groups gnomAD compares: Middle Eastern, 0.017%; no homozygotes.

Submissions (3):

Labcorp Genetics (formerly Invitae), Labcorp
Classification: Uncertain significance for Walker-Warburg congenital muscular dystrophy. Last evaluated: 2021-11-10. Review status: criteria provided, single submitter. Criteria: Invitae Variant Classification Sherloc (09022015). Collection method: clinical testing. Allele origin: germline.
Comment: This sequence change replaces valine, which is neutral and non-polar, with isoleucine, which is neutral and non-polar, at codon 349 of the FKTN protein (p.Val349Ile). This variant is not present in population databases (gnomAD no frequency). This variant has not been reported in the literature in individuals affected with FKTN-related conditions. ClinVar contains an entry for this variant (Variation ID: 1254227). Algorithms developed to predict the effect of missense changes on protein structure and function are either unavailable or do not agree on the potential impact of this missense change (SIFT: "Deleterious"; PolyPhen-2: "Benign"; Align-GVGD: "Class C25"). In summary, the available evidence is currently insufficient to determine the role of this variant in disease. Therefore, it has been classified as a Variant of Uncertain Significance.

GeneDx
Classification: Uncertain significance. Last evaluated: 2021-05-10. Review status: criteria provided, single submitter. Criteria: GeneDx Variant Classification Process June 2021. Collection method: clinical testing. Allele origin: germline. Affected: yes.
Comment: Not observed at significant frequency in large population cohorts (Lek et al., 2016); In silico analysis supports that this missense variant does not alter protein structure/function; Has not been previously published as pathogenic or benign to our knowledge

Natera, Inc.
Classification: Uncertain significance for Walker-Warburg congenital muscular dystrophy. Last evaluated: 2020-05-15. Review status: no assertion criteria provided. Collection method: clinical testing. Allele origin: germline. Not counted in ClinVar's aggregate classification.

NM_001079802.2(FKTN):c.1045G>A (p.Val349Ile)

Gene: FKTN (fukutin; plus strand). Cytogenetic location: 9q31.2.
Variant type: single nucleotide variant.
Coding change: c.1045G>A on transcript NM_001079802.2 (MANE Select); coding-DNA position 1045, G replaced by A.
Protein change: p.Val349Ile; replaces valine 349 with isoleucine.
Molecular consequence: missense variant. On other transcripts: non-coding transcript variant (2).
Genome position (GRCh38, 1-based): chr9:105,619,934, G>A. VCF-style: chr9-105619934-G-A. GRCh37 (hg19) VCF-style: chr9-108382215-G-A.
Other names: c.1045G>A, p.Val349Ile (NM_001198963.2, NM_001351496.2, NM_001351498.2 and 1 more transcripts); c.976G>A, p.Val326Ile (NM_001351497.2); c.649G>A, p.Val217Ile (NM_001351499.2, NM_001351500.2, NM_001351501.2 and 1 more transcripts); short protein forms V217I, V326I, V349I.
Identifiers: ClinVar variation 1254227 (VCV001254227.6), dbSNP rs1831549660, ClinGen allele CA374377692.